The following is an entry in ClinVar:

NM_000059.4(BRCA2):c.4222C>A (p.Gln1408Lys)

Gene: BRCA2 (BRCA2 DNA repair associated; plus strand). Cytogenetic location: 13q13.1.
Variant type: single nucleotide variant.
Coding change: c.4222C>A on transcript NM_000059.4 (MANE Select); coding-DNA position 4222, C replaced by A.
Protein change: p.Gln1408Lys; replaces glutamine 1408 with lysine.
Molecular consequence: missense variant. On other transcripts: non-coding transcript variant (1), intron variant (2).
Genome position (GRCh38, 1-based): chr13:32,338,577, C>A. VCF-style: chr13-32338577-C-A. GRCh37 (hg19) VCF-style: chr13-32912714-C-A.
Other names: c.4222C>A, p.Gln1408Lys (NM_001406719.1, NM_001406720.1); c.1909+5190C>A (NM_001406721.1); c.425-5981C>A (NM_001406722.1); short protein forms Q1408K.
Identifiers: ClinVar variation 2447013 (VCV002447013.6), dbSNP rs80358663, ClinGen allele CA387780311.

ClinVar aggregate classification (germline): Uncertain significance. Review status: criteria provided, multiple submitters, no conflicts (2 of 4 stars). 2 submissions from 2 submitters: Uncertain significance (2). Last evaluated 2025-05-27.

Conditions:
Hereditary cancer-predisposing syndrome. Also called: Neoplastic Syndromes, Hereditary; Hereditary Cancer Syndrome; Tumor predisposition; Hereditary neoplastic syndrome. Identifiers: Orphanet 140162, MedGen C0027672, MeSH D009386, MONDO:0015356.
Hereditary breast ovarian cancer syndrome. Also called: Hereditary breast and ovarian cancer syndrome (HBOC); Hereditary breast and ovarian cancer syndrome; Hereditary breast and/or ovarian cancer syndrome; Breast and ovarian cancer; Hereditary breast and ovarian cancer; BRCA1- and BRCA2-Associated Hereditary Breast and Ovarian Cancer. Identifiers: Orphanet 145, MedGen C0677776, MeSH D061325, MONDO:0003582. Disease mechanism: loss of function.

gnomAD v4.1: 1 of 1,595,496 alleles (0.000063%); highest among the groups gnomAD compares: Non-Finnish European, 0.000085%; no homozygotes.

Submissions (2):

Ambry Genetics
Classification: Uncertain significance for Hereditary cancer-predisposing syndrome. Last evaluated: 2025-05-27. Review status: criteria provided, single submitter. Criteria: Ambry Variant Classification Scheme 2023. Collection method: clinical testing. Allele origin: germline.
Comment: The p.Q1408K variant (also known as c.4222C>A), located in coding exon 10 of the BRCA2 gene, results from a C to A substitution at nucleotide position 4222. The glutamine at codon 1408 is replaced by lysine, an amino acid with similar properties. This amino acid position is conserved. In addition, this alteration is predicted to be tolerated by in silico analysis. Since supporting evidence is limited at this time, the clinical significance of this alteration remains unclear.

Labcorp Genetics (formerly Invitae), Labcorp
Classification: Uncertain significance for Hereditary breast ovarian cancer syndrome. Last evaluated: 2025-03-04. Review status: criteria provided, single submitter. Criteria: Invitae Variant Classification Sherloc (09022015). Collection method: clinical testing. Allele origin: germline.
Comment: This sequence change replaces glutamine, which is neutral and polar, with lysine, which is basic and polar, at codon 1408 of the BRCA2 protein (p.Gln1408Lys). This variant is not present in population databases (gnomAD no frequency). This variant has not been reported in the literature in individuals affected with BRCA2-related conditions. ClinVar contains an entry for this variant (Variation ID: 2447013). Invitae Evidence Modeling of protein sequence and biophysical properties (such as structural, functional, and spatial information, amino acid conservation, physicochemical variation, residue mobility, and thermodynamic stability) indicates that this missense variant is not expected to disrupt BRCA2 protein function with a negative predictive value of 95%. In summary, the available evidence is currently insufficient to determine the role of this variant in disease. Therefore, it has been classified as a Variant of Uncertain Significance.